The following is an entry in ClinVar:

NM_053025.4(MYLK):c.196T>C (p.Trp66Arg)

Gene: MYLK (myosin light chain kinase; minus strand). Cytogenetic location: 3q21.1.
Variant type: single nucleotide variant.
Coding change: c.196T>C on transcript NM_053025.4 (MANE Select); coding-DNA position 196, T replaced by C.
Protein change: p.Trp66Arg; replaces tryptophan 66 with arginine.
Molecular consequence: missense variant. On other transcripts: intron variant (1).
Genome position (GRCh38, 1-based): chr3:123,752,508, A>G on the plus strand (T>C on the coding strand, the complement: MYLK is on the minus strand). VCF-style: chr3-123752508-A-G. GRCh37 (hg19) VCF-style: chr3-123471355-A-G.
Other names: c.196T>C, p.Trp66Arg (NM_053026.4, NM_053027.4, NM_053028.4); c.-155-12507T>C (NM_001321309.2); short protein forms W66R.
Identifiers: ClinVar variation 4732120 (VCV004732120.1).

ClinVar aggregate classification (germline): Uncertain significance (1 of 4 stars; one submission).

Conditions:
Aortic aneurysm, familial thoracic 7 (AAT7). Also called: AORTIC DISSECTION, FAMILIAL, WITH OR WITHOUT AORTIC ANEURYSM. Identifiers: MedGen C3151077, MONDO:0013418, OMIM 613780.

Submission:

Labcorp Genetics (formerly Invitae), Labcorp
Classification: Uncertain significance for Aortic aneurysm, familial thoracic 7. Last evaluated: 2025-11-27. Review status: criteria provided, single submitter. Criteria: Invitae Variant Classification Sherloc (09022015). Collection method: clinical testing. Allele origin: germline.
Comment: This sequence change replaces tryptophan, which is neutral and slightly polar, with arginine, which is basic and polar, at codon 66 of the MYLK protein (p.Trp66Arg). This variant is not present in population databases (gnomAD no frequency). This variant has not been reported in the literature in individuals affected with MYLK-related conditions. An algorithm developed to predict the effect of missense changes on protein structure and function (PolyPhen-2) suggests that this variant is likely to be tolerated. In summary, the available evidence is currently insufficient to determine the role of this variant in disease. Therefore, it has been classified as a Variant of Uncertain Significance.